The following is an entry in ClinVar:

NM_002528.7(NTHL1):c.605A>T (p.Glu202Val)

Gene: NTHL1 (nth like DNA glycosylase 1; minus strand). Cytogenetic location: 16p13.3.
Variant type: single nucleotide variant.
Coding change: c.605A>T on transcript NM_002528.7 (MANE Select); coding-DNA position 605, A replaced by T.
Protein change: p.Glu202Val; replaces glutamic acid 202 with valine.
Molecular consequence: missense variant.
Genome position (GRCh38, 1-based): chr16:2,043,647, T>A on the plus strand (A>T on the coding strand, the complement: NTHL1 is on the minus strand). VCF-style: chr16-2043647-T-A. GRCh37 (hg19) VCF-style: chr16-2093648-T-A.
Other names: c.434A>T, p.Glu145Val (NM_001318193.2); c.275A>T, p.Glu92Val (NM_001318194.2); short protein forms E202V, E92V, E145V.
Identifiers: ClinVar variation 944323 (VCV000944323.8), dbSNP rs2084299271, ClinGen allele CA394291620.
Genomic context (GRCh38, chr16:2,043,647, plus strand): 5'-CAGGCCACAGCCATAGCCAGGTGTGCCATCTTGGGCCCAACACCCGGCAGCGCCACCAGC[T>A]CGGCCACAGAGGCTGGGATGTCCCCACCGTAGTGCTGCTGCAGGATGGCGCTGGTCTGCT-3'
Protein context (NP_002519.2, residues 192-212): YGGDIPASVA[Glu202Val]LVALPGVGPK

ClinVar aggregate classification (germline): Uncertain significance (1 of 4 stars; one submission).

Submission:

Labcorp Genetics (formerly Invitae), Labcorp
Classification: Uncertain significance. Last evaluated: 2019-03-29. Review status: criteria provided, single submitter. Criteria: Invitae Variant Classification Sherloc (09022015). Collection method: clinical testing. Allele origin: germline.
Comment: This sequence change replaces glutamate with valine at codon 210 of the NTHL1 protein (p.Glu210Val). The glutamate residue is weakly conserved and there is a moderate physicochemical difference between glutamate and valine. This variant is not present in population databases (ExAC no frequency). This variant has not been reported in the literature in individuals with NTHL1-related conditions. Algorithms developed to predict the effect of missense changes on protein structure and function (SIFT, PolyPhen-2, Align-GVGD) all suggest that this variant is likely to be tolerated, but these predictions have not been confirmed by published functional studies and their clinical significance is uncertain. In summary, the available evidence is currently insufficient to determine the role of this variant in disease. Therefore, it has been classified as a Variant of Uncertain Significance.